The following is an entry in ClinVar:

NM_001376.5(DYNC1H1):c.4934A>G (p.Lys1645Arg)

Gene: DYNC1H1 (dynein cytoplasmic 1 heavy chain 1; plus strand). Cytogenetic location: 14q32.31.
Variant type: single nucleotide variant.
Coding change: c.4934A>G on transcript NM_001376.5 (MANE Select); coding-DNA position 4934, A replaced by G.
Protein change: p.Lys1645Arg; replaces lysine 1645 with arginine.
Molecular consequence: missense variant.
Genome position (GRCh38, 1-based): chr14:102,004,568, A>G. VCF-style: chr14-102004568-A-G. GRCh37 (hg19) VCF-style: chr14-102470905-A-G.
Other names: short protein forms K1645R.
Identifiers: ClinVar variation 4071769 (VCV004071769.2).

ClinVar aggregate classification (germline): Uncertain significance (1 of 4 stars; one submission).

Submission:

GeneDx
Classification: Uncertain significance. Last evaluated: 2026-06-11. Review status: criteria provided, single submitter. Criteria: GeneDx Variant Classification Process June 2021. Collection method: clinical testing. Allele origin: germline.
Comment: Not observed at significant frequency in large population cohorts (gnomAD); In silico analysis supports that this missense variant has a deleterious effect on protein structure/function; Has not been previously published as pathogenic or benign to our knowledge; This variant is associated with the following publications: (PMID: 25512093, 25609763, 26100331)